The following is an entry in ClinVar:

NM_000642.3(AGL):c.4331A>G (p.Asn1444Ser)

Gene: AGL (amylo-alpha-1,6-glucosidase and 4-alpha-glucanotransferase; plus strand). Cytogenetic location: 1p21.2.
Variant type: single nucleotide variant.
Coding change: c.4331A>G on transcript NM_000642.3 (MANE Select); coding-DNA position 4331, A replaced by G.
Protein change: p.Asn1444Ser; replaces asparagine 1444 with serine.
Molecular consequence: missense variant.
Genome position (GRCh38, 1-based): chr1:99,916,481, A>G. VCF-style: chr1-99916481-A-G. GRCh37 (hg19) VCF-style: chr1-100382037-A-G.
Other names: p.Asn1444Ser; c.4331A>G, p.Asn1444Ser (NM_000028.3, NM_000643.3, NM_000644.3 and 1 more transcripts); c.4283A>G, p.Asn1428Ser (NM_000646.3); c.4310A>G, p.Asn1437Ser (NM_001425326.1); c.4130A>G, p.Asn1377Ser (NM_001425327.1); c.4127A>G, p.Asn1376Ser (NM_001425328.1); c.3992A>G, p.Asn1331Ser (NM_001425329.1); c.3953A>G, p.Asn1318Ser (NM_001425332.1); short protein forms N1444S, N1428S, N1318S, N1331S, N1376S, N1377S, N1437S.
Identifiers: ClinVar variation 424906 (VCV000424906.64), dbSNP rs143815159, ClinGen allele CA967401.

ClinVar aggregate classification (germline): Conflicting classifications of pathogenicity. Review status: criteria provided, conflicting classifications (1 of 4 stars). 8 submissions from 8 submitters: Uncertain significance (2); Benign (1); Likely benign (3). 2 of the submissions do not count toward it. Last evaluated 2026-01-28.

Conditions:
AGL-related disorder. Also called: AGL-related condition.
Glycogen storage disease type III (GSD3). Also called: FORBES DISEASE; Cori disease. Identifiers: Orphanet 366, MedGen C0017922, MONDO:0009291, OMIM 232400.

Allele frequency attached by ClinVar (database versions not stated): gnomAD 0.00029; TOPMed 0.00049; ESP Exome Variant Server 0.00054; 1000 Genomes Project 0.00140; 1000 Genomes Project 30x 0.00141.
gnomAD v4.1: 727 of 1,611,938 alleles (0.045%); highest among the groups gnomAD compares: South Asian, 0.34%; 7 homozygotes.

Submissions (8):

Labcorp Genetics (formerly Invitae), Labcorp
Classification: Benign for Glycogen storage disease type III. Last evaluated: 2026-01-28. Review status: criteria provided, single submitter. Criteria: Invitae Variant Classification Sherloc (09022015). Collection method: clinical testing. Allele origin: germline.

Mayo Clinic Laboratories, Mayo Clinic
Classification: Uncertain significance. Last evaluated: 2025-03-11. Review status: criteria provided, single submitter. Criteria: ACMG Guidelines, 2015. Collection method: clinical testing. Allele origin: germline. Observed: 2 variant alleles.
Comment: BS1, PP3

Blueprint Genetics
Classification: Likely benign. Last evaluated: 2024-11-26. Review status: criteria provided, single submitter. Criteria: ACMG Guidelines, 2015. Collection method: clinical testing. Allele origin: germline.

CeGaT Center for Human Genetics Tuebingen
Classification: Likely benign. Last evaluated: 2023-10-01. Review status: criteria provided, single submitter. Criteria: CeGaT Center For Human Genetics Tuebingen Variant Classification Criteria Version 2. Collection method: clinical testing. Allele origin: germline. Affected: yes. Observed: 2 variant alleles.
Comment: AGL: BP4

Genome-Nilou Lab
Classification: Likely benign for Glycogen storage disease type III. Last evaluated: 2021-07-15. Review status: criteria provided, single submitter. Criteria: ACMG Guidelines, 2015. Collection method: clinical testing. Allele origin: germline. Affected: no.

Illumina Laboratory Services, Illumina
Classification: Uncertain significance for Glycogen storage disease type III. Last evaluated: 2018-01-12. Review status: criteria provided, single submitter. Criteria: ICSL Variant Classification Criteria 13 December 2019. Collection method: clinical testing. Allele origin: germline.

PreventionGenetics, part of Exact Sciences
Classification: Likely benign for AGL-related condition. Last evaluated: 2020-02-17. Review status: no assertion criteria provided. Collection method: clinical testing. Allele origin: germline. Not counted in ClinVar's aggregate classification.
Comment: This variant is classified as likely benign based on ACMG/AMP sequence variant interpretation guidelines (Richards et al. 2015 PMID: 25741868, with internal and published modifications).

Natera, Inc.
Classification: Benign for Glycogen storage disease type III. Last evaluated: 2020-01-16. Review status: no assertion criteria provided. Collection method: clinical testing. Allele origin: germline. Not counted in ClinVar's aggregate classification.

Literature cited by the submitters: PubMed 32222031 (cited by Mayo Clinic Laboratories, Mayo Clinic).